The following is an entry in ClinVar:

ClinVar aggregate classification (germline): Uncertain significance (1 of 4 stars; one submission).

Allele frequency attached by ClinVar (database versions not stated): gnomAD 0.00001; gnomAD exomes 0.00001; TOPMed 0.00001; ExAC 0.00006.
gnomAD v4.1: 12 of 1,537,126 alleles (0.00078%); highest among the groups gnomAD compares: South Asian, 0.0036%; no homozygotes.

Submission:

Labcorp Genetics (formerly Invitae), Labcorp
Classification: Uncertain significance. Last evaluated: 2022-06-14. Review status: criteria provided, single submitter. Criteria: Invitae Variant Classification Sherloc (09022015). Collection method: clinical testing. Allele origin: germline.
Comment: In summary, the available evidence is currently insufficient to determine the role of this variant in disease. Therefore, it has been classified as a Variant of Uncertain Significance. Advanced modeling of protein sequence and biophysical properties (such as structural, functional, and spatial information, amino acid conservation, physicochemical variation, residue mobility, and thermodynamic stability) performed at Invitae indicates that this missense variant is expected to disrupt PIEZO2 protein function. This variant has not been reported in the literature in individuals affected with PIEZO2-related conditions. This variant is present in population databases (rs763023285, gnomAD 0.004%). This sequence change replaces alanine, which is neutral and non-polar, with valine, which is neutral and non-polar, at codon 1953 of the PIEZO2 protein (p.Ala1953Val).

NM_001378183.1(PIEZO2):c.6197C>T (p.Ala2066Val)

Gene: PIEZO2 (piezo type mechanosensitive ion channel component 2; minus strand). Cytogenetic location: 18p11.22.
Variant type: single nucleotide variant.
Coding change: c.6197C>T on transcript NM_001378183.1 (MANE Select); coding-DNA position 6197, C replaced by T.
Protein change: p.Ala2066Val; replaces alanine 2066 with valine.
Molecular consequence: missense variant.
Genome position (GRCh38, 1-based): chr18:10,704,455, G>A on the plus strand (C>T on the coding strand, the complement: PIEZO2 is on the minus strand). VCF-style: chr18-10704455-G-A. GRCh37 (hg19) VCF-style: chr18-10704453-G-A.
Other names: c.5933C>T, p.Ala1978Val (NM_001410871.1); c.5858C>T, p.Ala1953Val (NM_022068.4); short protein forms A2066V, A1953V, A1978V.
Identifiers: ClinVar variation 1932223 (VCV001932223.5), dbSNP rs763023285, ClinGen allele CA8892269.
Genomic context (GRCh38, chr18:10,704,455, plus strand): 5'-TCAGTATAGACGATGGCCATCATCCAGAACCGGCGGCTGGGCCTGGGGACGGACAACATG[G>A]CCCAGAGGAAGATGAGGATGGGAAGCAGGAGCGTGATCATGGAGGCAGAGACCATGTGGT-3'
Protein context (NP_001365112.1, residues 2056-2076): LLLPILIFLW[Ala2066Val]MLSVPRPSRR